The following is an entry in ClinVar:

NM_001134363.3(RBM20):c.2389dup (p.His797fs)

Gene: RBM20 (RNA binding motif protein 20; plus strand). Cytogenetic location: 10q25.2.
Variant type: Duplication.
Coding change: c.2389dup on transcript NM_001134363.3 (MANE Select); coding-DNA position 2389, one base duplicated (C; older notation c.2389dupC).
Protein change: p.His797fs; shifts the reading frame from histidine 797.
Molecular consequence: frameshift variant.
Genome position (GRCh38, 1-based): chr10:110,812,786, C duplicated; the last of 5 consecutive C bases (chr10:110,812,782-110,812,786); duplicating any one gives the same sequence. VCF-style (leftmost placement, unchanged base first): chr10-110812781-A-AC. GRCh37 (hg19) VCF-style: chr10-112572539-A-AC.
Other names: short protein forms H797fs.
Identifiers: ClinVar variation 4735749 (VCV004735749.1).

ClinVar aggregate classification (germline): Pathogenic (1 of 4 stars; one submission).

Conditions:
Dilated cardiomyopathy 1DD (CMD1DD). Identifiers: Orphanet 154, MedGen C2750995, MONDO:0013168, OMIM 613172.

Submission:

Labcorp Genetics (formerly Invitae), Labcorp
Classification: Pathogenic for Dilated cardiomyopathy 1DD. Last evaluated: 2026-01-31. Review status: criteria provided, single submitter. Criteria: Invitae Variant Classification Sherloc (09022015). Collection method: clinical testing. Allele origin: germline.
Comment: This sequence change creates a premature translational stop signal (p.His797Profs*4) in the RBM20 gene. It is expected to result in an absent or disrupted protein product. Loss-of-function variants in RBM20 are known to be pathogenic (PMID: 20590677, 22004663, 38288598, 38510713, 40339755). This variant is not present in population databases (gnomAD no frequency). This variant has not been reported in the literature in individuals affected with RBM20-related conditions. For these reasons, this variant has been classified as Pathogenic.

Literature cited by the submitters: PubMed 20590677; PubMed 22004663; PubMed 38288598; PubMed 38510713; PubMed 40339755.